The following is an entry in ClinVar:

NM_000020.3(ACVRL1):c.889C>T (p.His297Tyr)

Gene: ACVRL1 (activin A receptor like type 1; plus strand). Cytogenetic location: 12q13.13.
Variant type: single nucleotide variant.
Coding change: c.889C>T on transcript NM_000020.3 (MANE Select); coding-DNA position 889, C replaced by T.
Protein change: p.His297Tyr; replaces histidine 297 with tyrosine.
Molecular consequence: missense variant.
Genome position (GRCh38, 1-based): chr12:51,915,341, C>T. VCF-style: chr12-51915341-C-T. GRCh37 (hg19) VCF-style: chr12-52309125-C-T.
Other names: c.889C>T, p.His297Tyr (NM_001077401.2, NM_001406487.1, NM_001406488.1 and 1 more transcripts); c.577C>T, p.His193Tyr (NM_001406490.1, NM_001406491.1, NM_001406492.1 and 2 more transcripts); c.325C>T, p.His109Tyr (NM_001406495.1); short protein forms H109Y, H193Y, H297Y.
Identifiers: ClinVar variation 4887170 (VCV004887170.1).

ClinVar aggregate classification (germline): Uncertain significance (1 of 4 stars; one submission).

gnomAD v4.1: 7 of 1,614,066 alleles (0.00043%); highest among the groups gnomAD compares: Non-Finnish European, 0.00059%; no homozygotes.

Submission:

Women's Health and Genetics/Laboratory Corporation of America, LabCorp
Classification: Uncertain significance. Last evaluated: 2026-06-17. Review status: criteria provided, single submitter. Criteria: LabCorp Variant Classification Summary - May 2015. Collection method: clinical testing. Allele origin: germline.
Comment: Variant summary: ACVRL1 c.889C>T (p.His297Tyr) results in a conservative amino acid change in the encoded protein sequence. Algorithms developed to predict the effect of missense changes on protein structure and function all suggest that this variant is likely to be tolerated. The variant was absent in 251252 control chromosomes. The available data on variant occurrences in the general population are insufficient to allow any conclusion about variant significance. To our knowledge, no occurrence of c.889C>T in individuals affected with ACVRL1-related conditions and no experimental evidence demonstrating its impact on protein function have been reported. No submitters have cited clinical-significance assessments for this variant to ClinVar. Based on the evidence outlined above, the variant was classified as uncertain significance.